The following is an entry in ClinVar:

ClinVar aggregate classification (germline): Likely benign (1 of 4 stars; one submission).

Allele frequency attached by ClinVar (database versions not stated): TOPMed below 0.00001; gnomAD 0.00001.

Submission:

CeGaT Center for Human Genetics Tuebingen
Classification: Likely benign. Last evaluated: 2023-02-01. Review status: criteria provided, single submitter. Criteria: CeGaT Center For Human Genetics Tuebingen Variant Classification Criteria Version 2. Collection method: clinical testing. Allele origin: germline. Affected: yes. Observed: 1 variant allele.
Comment: NEUROD2: BP4, BP7

NM_006160.4(NEUROD2):c.720G>T (p.Pro240=)

Gene: NEUROD2 (neuronal differentiation 2; minus strand). Cytogenetic location: 17q12.
Variant type: single nucleotide variant.
Coding change: c.720G>T on transcript NM_006160.4 (MANE Select); coding-DNA position 720, G replaced by T.
Protein change: p.Pro240=; no amino-acid change (proline 240 retained).
Molecular consequence: synonymous variant.
Genome position (GRCh38, 1-based): chr17:39,605,880, C>A on the plus strand (G>T on the coding strand, the complement: NEUROD2 is on the minus strand). VCF-style: chr17-39605880-C-A. GRCh37 (hg19) VCF-style: chr17-37762133-C-A.
Identifiers: ClinVar variation 2647716 (VCV002647716.24), dbSNP rs1482364255, ClinGen allele CA499888391.
Genomic context (GRCh38, chr17:39,605,880, plus strand): 5'-GCCGCCGCCCAGGCCGCCGGCCGCCTGGCACTGTGCGCCCGCCAGGCGCGAGCACGGGTA[C>A]GGGTAGGGGTGCATGGCGAACGGGCCGCCCGAGCCGTGGAAGCGGCCGGCACCGTCGGCG-3'
Protein context (NP_006151.3, residues 230-250): SGGPFAMHPY[Pro240=]YPCSRLAGAQ